The following is an entry in ClinVar:

NM_004646.4(NPHS1):c.2746G>T (p.Ala916Ser)

Gene: NPHS1 (NPHS1 adhesion molecule, nephrin; minus strand). Cytogenetic location: 19q13.12.
Variant type: single nucleotide variant.
Coding change: c.2746G>T on transcript NM_004646.4 (MANE Select); coding-DNA position 2746, G replaced by T.
Protein change: p.Ala916Ser; replaces alanine 916 with serine.
Molecular consequence: missense variant.
Genome position (GRCh38, 1-based): chr19:35,841,784, C>A on the plus strand (G>T on the coding strand, the complement: NPHS1 is on the minus strand). VCF-style: chr19-35841784-C-A. GRCh37 (hg19) VCF-style: chr19-36332686-C-A.
Other names: short protein forms A916S.
Identifiers: ClinVar variation 259491 (VCV000259491.49), dbSNP rs138173172, ClinGen allele CA9390034.
Genomic context (GRCh38, chr19:35,841,784, plus strand): 5'-CAAGTTGAATGTTGGTTTGGTCCGAGCCAAGGGCGTTGGTGGCTGTACATGTGAAGAGGG[C>A]GTAATCCTGGGCGGCAGACACGTTGGCAATGGTCAGGAGGCTGCTGTGGACACCACCCTG-3'
Protein context (NP_004637.1, residues 906-926): IANVSAAQDY[Ala916Ser]LFTCTATNAL

ClinVar aggregate classification (germline): Conflicting classifications of pathogenicity. Review status: criteria provided, conflicting classifications (1 of 4 stars). 9 submissions from 9 submitters: Uncertain significance (4); Likely benign (2). 3 of the submissions do not count toward it. Last evaluated 2026-06-01.

Conditions:
NPHS1-related disorder. Also called: NPHS1-related condition.
Kidney disorder. Also called: renal disorder; Nephropathy; renal disease; Kidney disease; Kidney Diseases. Identifiers: MedGen C0022658, MONDO:0005240, HP:0000112.
Finnish congenital nephrotic syndrome (NPHS1). Also called: NEPHROTIC SYNDROME, TYPE 1. Identifiers: Orphanet 839, MedGen C0403399, MONDO:0009732, OMIM 256300.
Congenital nephrotic syndrome. Also called: Familial nephrotic syndrome. Identifiers: MedGen C3501848, MeSH C535761, MONDO:0002350, HP:0008677.

Allele frequency attached by ClinVar (database versions not stated): 1000 Genomes Project 30x 0.00047; 1000 Genomes Project 0.00060; TOPMed 0.00211; ESP Exome Variant Server 0.00284.
gnomAD v4.1: 4,596 of 1,614,122 alleles (0.28%); highest among the groups gnomAD compares: Non-Finnish European, 0.36%; 23 homozygotes.

Submissions (9):

CeGaT Center for Human Genetics Tuebingen
Classification: Likely benign. Last evaluated: 2026-06-01. Review status: criteria provided, single submitter. Criteria: CeGaT Center For Human Genetics Tuebingen Variant Classification Criteria Version 2. Collection method: clinical testing. Allele origin: germline. Affected: yes. Observed: 3 variant alleles.
Comment: NPHS1: BS2

Labcorp Genetics (formerly Invitae), Labcorp
Classification: Likely benign. Last evaluated: 2026-01-28. Review status: criteria provided, single submitter. Criteria: Invitae Variant Classification Sherloc (09022015). Collection method: clinical testing. Allele origin: germline.

Blueprint Genetics
Classification: Uncertain significance. Last evaluated: 2024-11-22. Review status: criteria provided, single submitter. Criteria: ACMG Guidelines, 2015. Collection method: clinical testing. Allele origin: germline.

Women's Health and Genetics/Laboratory Corporation of America, LabCorp
Classification: Uncertain significance. Last evaluated: 2022-02-24. Review status: criteria provided, single submitter. Criteria: LabCorp Variant Classification Summary - May 2015. Collection method: clinical testing. Allele origin: germline.
Comment: Variant summary: NPHS1 c.2746G>T (p.Ala916Ser) results in a conservative amino acid change located in the Immunoglobulin subtype 2 domain (IPR003598) of the encoded protein sequence. Three of five in-silico tools predict a damaging effect of the variant on protein function. The variant allele was found at a frequency of 0.0019 in 251432 control chromosomes, predominantly at a frequency of 0.0034 within the Non-Finnish European subpopulation in the gnomAD database. This frequency is not significantly higher than expected for a pathogenic variant in NPHS1 causing Nephrotic Syndrome, Type 1 (0.0019 vs 0.0034), allowing no conclusion about variant significance. c.2746G>T has been reported in the literature in settings of multigene panel testing of individuals with a variety of renal manifestations such as FSGS, minimal change nephrotic syndrome (example, Busher_2016, Gast_2016, Lehadenkari_2004). These report(s) do not provide unequivocal conclusions about association of the variant with Nephrotic Syndrome, Type 1. At-least one co-occurrence with another pathogenic variant(s) as an alternative molecular basis of disease has been reported (Gilbert_2017, mitochondrial DNA, m.3243A>G), providing supporting evidence for a benign role. To our knowledge, no experimental evidence demonstrating an impact on protein function has been reported. Four clinical diagnostic laboratories have submitted clinical-significance assessments for this variant to ClinVar after 2014 without evidence for independent evaluation. Multiple laboratories reported the variant with conflicting assessments (likely benign, n=2; VUS, n=2). Based on the evidence outlined above, the variant was classified as VUS-possibly benign.

Genome Diagnostics Laboratory, The Hospital for Sick Children
Classification: Uncertain significance for Kidney disorder. Last evaluated: 2019-04-01. Review status: criteria provided, single submitter. Criteria: ACMG Guidelines, 2015. Collection method: clinical testing. Allele origin: germline.

Illumina Laboratory Services, Illumina
Classification: Uncertain significance for Congenital nephrotic syndrome. Last evaluated: 2017-04-27. Review status: criteria provided, single submitter. Criteria: ICSL Variant Classification Criteria 13 December 2019. Collection method: clinical testing. Allele origin: germline.

PreventionGenetics, part of Exact Sciences
Classification: Likely benign for NPHS1-related condition. Last evaluated: 2021-05-21. Review status: no assertion criteria provided. Collection method: clinical testing. Allele origin: germline. Not counted in ClinVar's aggregate classification.
Comment: This variant is classified as likely benign based on ACMG/AMP sequence variant interpretation guidelines (Richards et al. 2015 PMID: 25741868, with internal and published modifications).

Natera, Inc.
Classification: Likely benign for Finnish congenital nephrotic syndrome. Last evaluated: 2020-06-17. Review status: no assertion criteria provided. Collection method: clinical testing. Allele origin: germline. Not counted in ClinVar's aggregate classification.

Counsyl
Classification: Uncertain significance for Finnish congenital nephrotic syndrome. Last evaluated: 2017-02-17. Review status: no assertion criteria provided. Collection method: clinical testing. Allele origin: unknown. Not counted in ClinVar's aggregate classification.

Literature cited by the submitters: PubMed 15086927 (cited by Women's Health and Genetics/Laboratory Corporation of America, LabCorp and Counsyl); PubMed 26346198 (cited by Women's Health and Genetics/Laboratory Corporation of America, LabCorp and Counsyl); PubMed 26668027 (cited by Women's Health and Genetics/Laboratory Corporation of America, LabCorp and Counsyl); PubMed 28012006 (cited by Women's Health and Genetics/Laboratory Corporation of America, LabCorp); PubMed 23349334 (cited by Counsyl); PubMed 19406966 (cited by Counsyl).